The following is an entry in ClinVar:

ClinVar aggregate classification (germline): Benign. Review status: criteria provided, multiple submitters, no conflicts (2 of 4 stars). 3 submissions from 3 submitters: Benign (3). Last evaluated 2026-01-27.

Allele frequency attached by ClinVar (database versions not stated): ExAC 0.00474; gnomAD 0.01212 and 0.01279; TOPMed 0.01447; 1000 Genomes Project 0.01616; ESP Exome Variant Server 0.01619; 1000 Genomes Project 30x 0.01707.
gnomAD v4.1: 2,729 of 1,190,828 alleles (0.23%); highest among the groups gnomAD compares: African/African-American, 4.1%; 41 homozygotes.

Submissions (3):

Labcorp Genetics (formerly Invitae), Labcorp
Classification: Benign. Last evaluated: 2026-01-27. Review status: criteria provided, single submitter. Criteria: Invitae Variant Classification Sherloc (09022015). Collection method: clinical testing. Allele origin: germline.

GeneDx
Classification: Benign. Last evaluated: 2016-03-11. Review status: criteria provided, single submitter. Criteria: GeneDx Variant Classification (06012015). Collection method: clinical testing. Allele origin: germline. Affected: yes.
Comment: This variant is considered likely benign or benign based on one or more of the following criteria: it is a conservative change, it occurs at a poorly conserved position in the protein, it is predicted to be benign by multiple in silico algorithms, and/or has population frequency not consistent with disease.

Breakthrough Genomics
Classification: Benign. Review status: criteria provided, single submitter. Criteria: ACMG Guidelines, 2015. Collection method: not provided. Allele origin: germline. Inheritance: Unknown mechanism. Affected: yes.

NM_001079855.2(GYG2):c.1099C>A (p.Pro367Thr)

Gene: GYG2 (glycogenin 2; plus strand). Cytogenetic location: Xp22.33.
Variant type: single nucleotide variant.
Coding change: c.1099C>A on transcript NM_001079855.2 (MANE Select); coding-DNA position 1099, C replaced by A.
Protein change: p.Pro367Thr; replaces proline 367 with threonine.
Molecular consequence: missense variant. On other transcripts: intron variant (2).
Genome position (GRCh38, 1-based): chrX:2,875,870, C>A. VCF-style: chrX-2875870-C-A. GRCh37 (hg19) VCF-style: chrX-2793911-C-A.
Other names: c.1099C>A, p.Pro367Thr (NM_001184702.2); c.1192C>A, p.Pro398Thr (NM_003918.3); c.1132-5182C>A (NM_001184703.2); c.574-5182C>A (NM_001184704.2); short protein forms P398T, P367T.
Identifiers: ClinVar variation 383057 (VCV000383057.11), dbSNP rs58805501, ClinGen allele CA10337251.
Genomic context (GRCh38, chrX:2,875,870, plus strand): 5'-ATGATAGCTTGTCCTGAAACTGAGACTCCTGCCGTGATAACGTGTGACCCACTGTCCCAG[C>A]CTTCCCCTCAGCCTGCAGACTTCACAGAGACTGAAACCATCTTGGTATTCCTCATCTATA-3'
Protein context (NP_001073324.1, residues 357-377): AVITCDPLSQ[Pro367Thr]SPQPADFTET